The following is an entry in ClinVar:

NM_001288772.2(PIK3C2G):c.2918T>C (p.Val973Ala)

Gene: PIK3C2G (phosphatidylinositol-4-phosphate 3-kinase catalytic subunit type 2 gamma; plus strand). Cytogenetic location: 12p12.3.
Variant type: single nucleotide variant.
Coding change: c.2918T>C on transcript NM_001288772.2 (MANE Select); coding-DNA position 2918, T replaced by C.
Protein change: p.Val973Ala; replaces valine 973 with alanine.
Molecular consequence: missense variant.
Genome position (GRCh38, 1-based): chr12:18,497,650, T>C. VCF-style: chr12-18497650-T-C. GRCh37 (hg19) VCF-style: chr12-18650584-T-C.
Other names: c.2252T>C, p.Val751Ala (NM_001288774.2); c.2795T>C, p.Val932Ala (NM_004570.6); short protein forms V932A, V973A, V751A.
Identifiers: ClinVar variation 64531 (VCV000064531.2), dbSNP rs387907453, ClinGen allele CA216347.

ClinVar aggregate classification (germline): Uncertain significance (0 of 4 stars; one submission).

Allele frequency attached by ClinVar (database versions not stated): TOPMed 0.00001; gnomAD exomes below 0.00001 and 0.00001; ExAC 0.00001; gnomAD 0.00001.
gnomAD v4.1: 7 of 1,612,936 alleles (0.00043%); highest among the groups gnomAD compares: East Asian, 0.0067%; no homozygotes.

Submission:

Martin Pollak Laboratory,  Beth Israel Deaconess Medical Center
Classification: Uncertain significance. Review status: no assertion criteria provided. Collection method: not provided. Allele origin: unknown.
Comment: Higher UCa2+ group
ClinVar note: Converted during submission from unknown to Uncertain significance.